The following is an entry in ClinVar:

ClinVar aggregate classification (germline): Pathogenic/Likely pathogenic. Review status: criteria provided, multiple submitters, no conflicts (2 of 4 stars). 2 submissions from 2 submitters: Pathogenic (1); Likely pathogenic (1). Last evaluated 2025-06-09.

Conditions:
Neurofibromatosis, type 1 (NF1). Also called: Neurofibromatosis, type I; NEUROFIBROMATOSIS, TYPE I, SOMATIC; Peripheral type neurofibromatosis; VON RECKLINGHAUSEN DISEASE. Identifiers: Orphanet 636, MedGen C0027831, MONDO:0018975, OMIM 162200. Disease mechanism: loss of function.
Hereditary cancer-predisposing syndrome. Also called: Hereditary Cancer Syndrome; Tumor predisposition; Neoplastic Syndromes, Hereditary; Hereditary neoplastic syndrome. Identifiers: Orphanet 140162, MedGen C0027672, MeSH D009386, MONDO:0015356.
Cardiovascular phenotype. Identifiers: MedGen CN230736.

Submissions (2):

Ambry Genetics
Classification: Likely pathogenic for Cardiovascular phenotype; Hereditary cancer-predisposing syndrome. Last evaluated: 2025-06-09. Review status: criteria provided, single submitter. Criteria: Ambry Variant Classification Scheme 2023. Collection method: clinical testing. Allele origin: germline.
Comment: The c.479+2T>C intronic variant results from a T to C substitution two nucleotides after coding exon 4 in the NF1 gene. This nucleotide position is highly conserved in available vertebrate species. Other alterations impacting the same donor site (c.479+5G>C and c.479G>C) have been shown to have a similar impact on splicing in individuals with a suspected or clinical diagnosis of NF1 (Wimmer K et al. Hum. Mutat. 2007 Jun;28:599-612; Stella A et al. Genes (Basel) 2018 Apr;9(4)216). In silico splice site analysis predicts that this alteration will weaken the native splice donor site; however, direct evidence is insufficient at this time (Ambry internal data). This variant is considered to be rare based on population cohorts in the Genome Aggregation Database (gnomAD). Based on the majority of available evidence to date, this variant is likely to be pathogenic.

Labcorp Genetics (formerly Invitae), Labcorp
Classification: Pathogenic for Neurofibromatosis, type 1. Last evaluated: 2021-12-13. Review status: criteria provided, single submitter. Criteria: Invitae Variant Classification Sherloc (09022015). Collection method: clinical testing. Allele origin: germline.
Comment: For these reasons, this variant has been classified as Pathogenic. Algorithms developed to predict the effect of sequence changes on RNA splicing suggest that this variant may disrupt the consensus splice site. Disruption of this splice site has been observed in individual(s) with neurofibromatosis type 1 (PMID: 18041031). This variant is not present in population databases (gnomAD no frequency). This sequence change affects a donor splice site in intron 4 of the NF1 gene. It is expected to disrupt RNA splicing. Variants that disrupt the donor or acceptor splice site typically lead to a loss of protein function (PMID: 16199547), and loss-of-function variants in NF1 are known to be pathogenic (PMID: 10712197, 23913538).

Literature cited by the submitters: PubMed 18041031 (cited by Labcorp Genetics (formerly Invitae), Labcorp); PubMed 16199547 (cited by Labcorp Genetics (formerly Invitae), Labcorp); PubMed 10712197 (cited by Labcorp Genetics (formerly Invitae), Labcorp); PubMed 23913538 (cited by Labcorp Genetics (formerly Invitae), Labcorp).

NM_001042492.3(NF1):c.479+2T>C

Gene: NF1 (neurofibromin 1; plus strand). Cytogenetic location: 17q11.2.
Variant type: single nucleotide variant.
Coding change: c.479+2T>C on transcript NM_001042492.3 (MANE Select); the canonical splice donor site of the intron after coding-DNA position 479, T replaced by C.
Molecular consequence: splice donor variant.
Genome position (GRCh38, 1-based): chr17:31,163,378, T>C. VCF-style: chr17-31163378-T-C. GRCh37 (hg19) VCF-style: chr17-29490396-T-C.
Other names: c.479+2T>C (NM_000267.4, NM_001128147.3).
Identifiers: ClinVar variation 2041468 (VCV002041468.5), dbSNP rs2143674150, ClinGen allele CA398982228.